The following is an entry in ClinVar:

NM_001134831.2(AHI1):c.1627A>G (p.Ile543Val)

Gene: AHI1 (Abelson helper integration site 1; minus strand). Cytogenetic location: 6q23.3.
Variant type: single nucleotide variant.
Coding change: c.1627A>G on transcript NM_001134831.2 (MANE Select); coding-DNA position 1627, A replaced by G.
Protein change: p.Ile543Val; replaces isoleucine 543 with valine.
Molecular consequence: missense variant.
Genome position (GRCh38, 1-based): chr6:135,447,160, T>C on the plus strand (A>G on the coding strand, the complement: AHI1 is on the minus strand). VCF-style: chr6-135447160-T-C. GRCh37 (hg19) VCF-style: chr6-135768298-T-C.
Other names: c.1627A>G, p.Ile543Val (NM_001134830.2, NM_001134832.2, NM_001350503.2 and 2 more transcripts); short protein forms I543V.
Identifiers: ClinVar variation 1958629 (VCV001958629.2), dbSNP rs2484770590, ClinGen allele CA365745042.

ClinVar aggregate classification (germline): Uncertain significance (1 of 4 stars; one submission).

Conditions:
Joubert syndrome. Also called: CEREBELLOPARENCHYMAL DISORDER IV; JOUBERT-BOLTSHAUSER SYNDROME; Familial aplasia of the vermis. Identifiers: Orphanet 475, MedGen C5979921, MONDO:0018772.

Submission:

Labcorp Genetics (formerly Invitae), Labcorp
Classification: Uncertain significance for Joubert syndrome. Last evaluated: 2022-06-09. Review status: criteria provided, single submitter. Criteria: Invitae Variant Classification Sherloc (09022015). Collection method: clinical testing. Allele origin: germline.
Comment: This sequence change replaces isoleucine, which is neutral and non-polar, with valine, which is neutral and non-polar, at codon 543 of the AHI1 protein (p.Ile543Val). This variant is not present in population databases (gnomAD no frequency). This variant has not been reported in the literature in individuals affected with AHI1-related conditions. Algorithms developed to predict the effect of missense changes on protein structure and function output the following: SIFT: "Tolerated"; PolyPhen-2: "Benign"; Align-GVGD: "Class C0". The valine amino acid residue is found in multiple mammalian species, which suggests that this missense change does not adversely affect protein function. Algorithms developed to predict the effect of sequence changes on RNA splicing suggest that this variant may disrupt the consensus splice site. In summary, the available evidence is currently insufficient to determine the role of this variant in disease. Therefore, it has been classified as a Variant of Uncertain Significance.